The following is an entry in ClinVar:

ClinVar aggregate classification (germline): Conflicting classifications of pathogenicity. Review status: criteria provided, conflicting classifications (1 of 4 stars). 7 submissions from 7 submitters: Uncertain significance (3); Benign (1); Likely benign (2). 1 of the submissions does not count toward it. Last evaluated 2026-07-24.

Conditions:
Inborn genetic diseases. Identifiers: MedGen C0950123, MeSH D030342.
SETX-related disorder. Also called: SETX-related disorders; SETX-related condition. Identifiers: MedGen CN239403.
Hereditary spastic paraplegia. Also called: Familial spastic paraparesis. Identifiers: Orphanet 685, MedGen C0037773, MONDO:0019064. Disease mechanism: loss of function.
Spinocerebellar ataxia, autosomal recessive, with axonal neuropathy 2 (SCAN2). Also called: Ataxia-ocular apraxia-2; Ataxia with Oculomotor Apraxia Type 2; ATAXIA-OCULOMOTOR APRAXIA 2; Ataxia with Oculomotor Apraxia. Identifiers: MONDO:0018996, OMIM 606002, Orphanet 64753, MedGen C1853761.
Amyotrophic lateral sclerosis type 4 (ALS4). Also called: AMYOTROPHIC LATERAL SCLEROSIS 4, JUVENILE; NEURONOPATHY, DISTAL HEREDITARY MOTOR, WITH PYRAMIDAL FEATURES. Identifiers: Orphanet 357043, MedGen C1865409, MONDO:0011223, OMIM 602433.

Allele frequency attached by ClinVar (database versions not stated): gnomAD exomes 0.00012; ExAC 0.00017; 1000 Genomes Project 30x 0.00031; 1000 Genomes Project 0.00040; gnomAD 0.00048 and 0.00051; TOPMed 0.00052; ESP Exome Variant Server 0.00054.
gnomAD v4.1: 141 of 1,613,836 alleles (0.0087%); highest among the groups gnomAD compares: African/African-American, 0.18%; 1 homozygote.

Submissions (7):

GeneDx
Classification: Uncertain significance. Last evaluated: 2026-07-24. Review status: criteria provided, single submitter. Criteria: GeneDx Variant Classification Process June 2021. Collection method: clinical testing. Allele origin: germline.
Comment: In silico analysis suggests that this missense variant does not alter protein structure/function; Has not been previously published as pathogenic or benign to our knowledge

Labcorp Genetics (formerly Invitae), Labcorp
Classification: Benign for Amyotrophic lateral sclerosis type 4; Spinocerebellar ataxia, autosomal recessive, with axonal neuropathy 2. Last evaluated: 2025-11-29. Review status: criteria provided, single submitter. Criteria: Invitae Variant Classification Sherloc (09022015). Collection method: clinical testing. Allele origin: germline.

Mayo Clinic Laboratories, Mayo Clinic
Classification: Likely benign. Last evaluated: 2025-06-11. Review status: criteria provided, single submitter. Criteria: ACMG Guidelines, 2015. Collection method: clinical testing. Allele origin: germline. Observed: 1 variant allele.
Comment: BS1, BP4_moderate

Ambry Genetics
Classification: Uncertain significance for Inborn genetic diseases. Last evaluated: 2023-07-31. Review status: criteria provided, single submitter. Criteria: Ambry Variant Classification Scheme 2023. Collection method: clinical testing. Allele origin: germline.
Comment: Unlikely to be causative of SETX-related juvenile amyotrophic lateral sclerosis (AD) Based on insufficient or conflicting evidence, the clinical significance of this alteration remains unclear.

Athena Diagnostics
Classification: Likely benign. Last evaluated: 2019-10-23. Review status: criteria provided, single submitter. Criteria: Athena Diagnostics Criteria. Collection method: clinical testing. Allele origin: unknown.

Genome Diagnostics Laboratory, The Hospital for Sick Children
Classification: Uncertain significance for Hereditary spastic paraplegia. Last evaluated: 2017-05-29. Review status: criteria provided, single submitter. Criteria: ACMG Guidelines, 2015. Collection method: clinical testing. Allele origin: germline. Affected: yes.

PreventionGenetics, part of Exact Sciences
Classification: Likely benign for SETX-related condition. Last evaluated: 2022-12-16. Review status: no assertion criteria provided. Collection method: clinical testing. Allele origin: germline. Not counted in ClinVar's aggregate classification.
Comment: This variant is classified as likely benign based on ACMG/AMP sequence variant interpretation guidelines (Richards et al. 2015 PMID: 25741868, with internal and published modifications).

NM_015046.7(SETX):c.3965C>A (p.Thr1322Asn)

Gene: SETX (senataxin; minus strand). Cytogenetic location: 9q34.13.
Variant type: single nucleotide variant.
Coding change: c.3965C>A on transcript NM_015046.7 (MANE Select); coding-DNA position 3965, C replaced by A.
Protein change: p.Thr1322Asn; replaces threonine 1322 with asparagine.
Molecular consequence: missense variant.
Genome position (GRCh38, 1-based): chr9:132,327,633, G>T on the plus strand (C>A on the coding strand, the complement: SETX is on the minus strand). VCF-style: chr9-132327633-G-T. GRCh37 (hg19) VCF-style: chr9-135203020-G-T.
Other names: p.Thr1322Asn; c.3965C>A, p.Thr1322Asn (NM_001351527.2, NM_001351528.2); short protein forms T1322N.
Identifiers: ClinVar variation 586545 (VCV000586545.21), dbSNP rs144900653, ClinGen allele CA5297296.